The following is an entry in ClinVar:

NM_001130438.3(SPTAN1):c.877C>G (p.Leu293Val)

Gene: SPTAN1 (spectrin alpha, non-erythrocytic 1; plus strand). Cytogenetic location: 9q34.11.
Variant type: single nucleotide variant.
Coding change: c.877C>G on transcript NM_001130438.3 (MANE Select); coding-DNA position 877, C replaced by G.
Protein change: p.Leu293Val; replaces leucine 293 with valine.
Molecular consequence: missense variant.
Genome position (GRCh38, 1-based): chr9:128,577,220, C>G. VCF-style: chr9-128577220-C-G. GRCh37 (hg19) VCF-style: chr9-131339499-C-G.
Other names: c.877C>G, p.Leu293Val (NM_001195532.2, NM_001363759.2, NM_001363765.2 and 1 more transcripts); short protein forms L293V.
Identifiers: ClinVar variation 638851 (VCV000638851.9), dbSNP rs763633945, ClinGen allele CA5264267.

ClinVar aggregate classification (germline): Uncertain significance (1 of 4 stars; one submission).

Conditions:
Early-infantile DEE. Also called: Early infantile epileptic encephalopathy; Early infantile epileptic encephalopathy with suppression bursts; Ohtahara syndrome. Identifiers: Orphanet 1934, MedGen C0393706, MONDO:0800491.

Allele frequency attached by ClinVar (database versions not stated): gnomAD exomes below 0.00001; ExAC 0.00001.

Submission:

Labcorp Genetics (formerly Invitae), Labcorp
Classification: Uncertain significance for Early-infantile DEE. Last evaluated: 2018-11-17. Review status: criteria provided, single submitter. Criteria: Invitae Variant Classification Sherloc (09022015). Collection method: clinical testing. Allele origin: germline.
Comment: In summary, the available evidence is currently insufficient to determine the role of this variant in disease. Therefore, it has been classified as a Variant of Uncertain Significance. Algorithms developed to predict the effect of missense changes on protein structure and function (SIFT, PolyPhen-2, Align-GVGD) all suggest that this variant is likely to be disruptive, but these predictions have not been confirmed by published functional studies and their clinical significance is uncertain. This variant has not been reported in the literature in individuals with SPTAN1-related disease. This variant is present in population databases (rs763633945, ExAC 0.01%). This sequence change replaces leucine with valine at codon 293 of the SPTAN1 protein (p.Leu293Val). The leucine residue is highly conserved and there is a small physicochemical difference between leucine and valine.